The following is an entry in ClinVar:

NM_021258.4(IL22RA1):c.355+58G>A

Gene: IL22RA1 (interleukin 22 receptor subunit alpha 1; minus strand). Cytogenetic location: 1p36.11.
Variant type: single nucleotide variant.
Coding change: c.355+58G>A on transcript NM_021258.4 (MANE Select); 58 bases into the intron after coding-DNA position 355, G replaced by A.
Molecular consequence: intron variant.
Genome position (GRCh38, 1-based): chr1:24,137,073, C>T on the plus strand (G>A on the coding strand, the complement: IL22RA1 is on the minus strand). VCF-style: chr1-24137073-C-T. GRCh37 (hg19) VCF-style: chr1-24463563-C-T.
Identifiers: ClinVar variation 2688450 (VCV002688450.2), dbSNP rs4486393, ClinGen allele CA10834318.

ClinVar aggregate classification (germline): Benign (1 of 4 stars; one submission).

Allele frequency attached by ClinVar (database versions not stated): 1000 Genomes Project 0.18810; 1000 Genomes Project 30x 0.19144; TOPMed 0.22223; gnomAD 0.22577.

Submission:

Unidad de Genómica Garrahan, Hospital de Pediatría Garrahan
Classification: Benign. Last evaluated: 2024-01-24. Review status: criteria provided, single submitter. Criteria: ACMG Guidelines, 2015. Collection method: clinical testing. Allele origin: germline. Affected: no. Observed: 31 variant alleles.
Comment: This variant is classified as Benign based on local population frequency. This variant was detected in 35% of patients studied by a panel of primary immunodeficiencies. Number of patients: 31. Only high quality variants are reported.